The following is an entry in ClinVar:

NM_017668.3(NDE1):c.309C>G (p.Thr103=)

Gene: NDE1 (nudE neurodevelopment protein 1; plus strand). Cytogenetic location: 16p13.11.
Variant type: single nucleotide variant.
Coding change: c.309C>G on transcript NM_017668.3 (MANE Select); coding-DNA position 309, C replaced by G.
Protein change: p.Thr103=; no amino-acid change (threonine 103 retained).
Molecular consequence: synonymous variant.
Genome position (GRCh38, 1-based): chr16:15,677,872, C>G. VCF-style: chr16-15677872-C-G. GRCh37 (hg19) VCF-style: chr16-15771729-C-G.
Other names: c.309C>G, p.Thr103= (NM_001143979.2).
Identifiers: ClinVar variation 318059 (VCV000318059.16), dbSNP rs376548563, ClinGen allele CA7920570.

ClinVar aggregate classification (germline): Conflicting classifications of pathogenicity. Review status: criteria provided, conflicting classifications (1 of 4 stars). 4 submissions from 4 submitters: Uncertain significance (1); Benign (1); Likely benign (1). 1 of the submissions does not count toward it. Last evaluated 2025-12-22.

Conditions:
NDE1-related disorder. Also called: NDE1-related condition; NDE1-Related Disorders.
Lissencephaly 4 (LIS4). Also called: Lissencephaly 4 (with microcephaly). Identifiers: Orphanet 1083, MedGen C3151461, MONDO:0013527, OMIM 614019.

Allele frequency attached by ClinVar (database versions not stated): ESP Exome Variant Server 0.00008; gnomAD 0.00014 and 0.00019; TOPMed 0.00014; 1000 Genomes Project 30x 0.00016; 1000 Genomes Project 0.00020; gnomAD exomes 0.00023 and 0.00038; ExAC 0.00044.
gnomAD v4.1: 366 of 1,614,070 alleles (0.023%); highest among the groups gnomAD compares: South Asian, 0.22%; 3 homozygotes.

Submissions (4):

Labcorp Genetics (formerly Invitae), Labcorp
Classification: Benign. Last evaluated: 2025-12-22. Review status: criteria provided, single submitter. Criteria: Invitae Variant Classification Sherloc (09022015). Collection method: clinical testing. Allele origin: germline.

Blueprint Genetics
Classification: Likely benign. Last evaluated: 2024-11-04. Review status: criteria provided, single submitter. Criteria: ACMG Guidelines, 2015. Collection method: clinical testing. Allele origin: germline.

Illumina Laboratory Services, Illumina
Classification: Uncertain significance for Lissencephaly 4. Last evaluated: 2018-01-13. Review status: criteria provided, single submitter. Criteria: ICSL Variant Classification Criteria 13 December 2019. Collection method: clinical testing. Allele origin: germline.

PreventionGenetics, part of Exact Sciences
Classification: Likely benign for NDE1-related condition. Last evaluated: 2019-08-06. Review status: no assertion criteria provided. Collection method: clinical testing. Allele origin: germline. Not counted in ClinVar's aggregate classification.
Comment: This variant is classified as likely benign based on ACMG/AMP sequence variant interpretation guidelines (Richards et al. 2015 PMID: 25741868, with internal and published modifications).